The following is an entry in ClinVar:

ClinVar aggregate classification (germline): Uncertain significance (1 of 4 stars; one submission).

Conditions:
Cardiovascular phenotype. Identifiers: MedGen CN230736.

Submission:

Ambry Genetics
Classification: Uncertain significance for Cardiovascular phenotype. Last evaluated: 2022-07-17. Review status: criteria provided, single submitter. Criteria: Ambry Variant Classification Scheme 2023. Collection method: clinical testing. Allele origin: germline.
Comment: The p.L341P variant (also known as c.1022T>C), located in coding exon 8 of the JAG1 gene, results from a T to C substitution at nucleotide position 1022. The leucine at codon 341 is replaced by proline, an amino acid with similar properties. This amino acid position is conserved. In addition, this alteration is predicted to be deleterious by in silico analysis. Since supporting evidence is limited at this time, the clinical significance of this alteration remains unclear.

NM_000214.3(JAG1):c.1022T>C (p.Leu341Pro)

Gene: JAG1 (jagged canonical Notch ligand 1; minus strand). Cytogenetic location: 20p12.2.
Variant type: single nucleotide variant.
Coding change: c.1022T>C on transcript NM_000214.3 (MANE Select); coding-DNA position 1022, T replaced by C.
Protein change: p.Leu341Pro; replaces leucine 341 with proline.
Molecular consequence: missense variant.
Genome position (GRCh38, 1-based): chr20:10,651,679, A>G on the plus strand (T>C on the coding strand, the complement: JAG1 is on the minus strand). VCF-style: chr20-10651679-A-G. GRCh37 (hg19) VCF-style: chr20-10632327-A-G.
Other names: short protein forms L341P.
Identifiers: ClinVar variation 1764528 (VCV001764528.2), dbSNP rs2514520793, ClinGen allele CA408238851.